The following is an entry in ClinVar:

NM_007294.4(BRCA1):c.5476C>T (p.Gln1826Ter)

Gene: BRCA1 (BRCA1 DNA repair associated; minus strand). Cytogenetic location: 17q21.31.
Variant type: single nucleotide variant.
Coding change: c.5476C>T on transcript NM_007294.4 (MANE Select); coding-DNA position 5476, C replaced by T.
Protein change: p.Gln1826Ter; replaces glutamine 1826 with a stop codon.
Molecular consequence: nonsense. On other transcripts: missense variant (17), non-coding transcript variant (1).
Genome position (GRCh38, 1-based): chr17:43,045,794, G>A on the plus strand (C>T on the coding strand, the complement: BRCA1 is on the minus strand). VCF-style: chr17-43045794-G-A. GRCh37 (hg19) VCF-style: chr17-41197811-G-A.
Other names: c.5263C>T, p.Gln1755Ter (NM_001407571.1, NM_001407894.1, NM_001407895.1 and 12 more transcripts); c.5542C>T, p.Gln1848Ter (NM_001407581.1, NM_001407582.1); c.5539C>T, p.Gln1847Ter (NM_001407583.1, NM_001407585.1, NM_001407587.1 and 1 more transcripts); c.5536C>T, p.Gln1846Ter (NM_001407590.1, NM_001407591.1); c.5476C>T, p.Gln1826Ter (NM_001407593.1, NM_001407594.1, NM_001407596.1 and 5 more transcripts); c.5473C>T, p.Gln1825Ter (NM_001407618.1, NM_001407619.1, NM_001407620.1 and 14 more transcripts); c.5470C>T, p.Gln1824Ter (NM_001407637.1, NM_001407638.1, NM_001407639.1 and 13 more transcripts); c.5467C>T, p.Gln1823Ter (NM_001407644.1, NM_001407645.1); and 83 more; short protein forms A697V, Q722*, Q1826*, Q1779*, Q1847*, A1758V, A1759V, A1760V.
Identifiers: ClinVar variation 868969 (VCV000868969.8), dbSNP rs587782887, ClinGen allele CA10590373.

ClinVar aggregate classification (germline): Pathogenic. Review status: criteria provided, multiple submitters, no conflicts (2 of 4 stars). 3 submissions from 3 submitters: Pathogenic (3). Last evaluated 2023-10-10.

Conditions:
Hereditary cancer-predisposing syndrome. Also called: Neoplastic Syndromes, Hereditary; Tumor predisposition; Hereditary Cancer Syndrome; Hereditary neoplastic syndrome. Identifiers: Orphanet 140162, MedGen C0027672, MeSH D009386, MONDO:0015356.
Hereditary breast ovarian cancer syndrome. Also called: Hereditary breast and ovarian cancer; Hereditary breast and ovarian cancer syndrome (HBOC); Breast and ovarian cancer; Hereditary breast and/or ovarian cancer syndrome; BRCA1- and BRCA2-Associated Hereditary Breast and Ovarian Cancer; Hereditary breast and ovarian cancer syndrome. Identifiers: Orphanet 145, MedGen C0677776, MeSH D061325, MONDO:0003582. Disease mechanism: loss of function.

Submissions (4):

GeneDx
Classification: Pathogenic. Last evaluated: 2023-10-10. Review status: criteria provided, single submitter. Criteria: GeneDx Variant Classification Process June 2021. Collection method: clinical testing. Allele origin: germline. Affected: yes.
Comment: Nonsense variant predicted to result in protein truncation in a gene for which loss of function is a known mechanism of disease; Observed in a patient with breast cancer (PMID: 33573335); Published functional studies demonstrate a damaging effect: variant classified as non-functional based on a saturation genome editing (SGE) assay measuring cell survival (PMID: 30209399); Truncating variants in this gene are considered pathogenic by a well-established clinical consortium and/or database; Not observed at significant frequency in large population cohorts (gnomAD); Also known as 5595C>T; This variant is associated with the following publications: (PMID: 30209399, 31209999, 29884841, 32377563, 33573335)

Women's Health and Genetics/Laboratory Corporation of America, LabCorp
Classification: Pathogenic for Hereditary breast ovarian cancer syndrome. Last evaluated: 2022-02-21. Review status: criteria provided, single submitter. Criteria: LabCorp Variant Classification Summary - May 2015. Collection method: clinical testing. Allele origin: germline.
Comment: Variant summary: BRCA1 c.5476C>T (p.Gln1826X) results in a premature termination codon, predicted to cause a truncation of the encoded protein or absence of the protein due to nonsense mediated decay, which are commonly known mechanisms for disease. Truncations downstream of this position have been classified as pathogenic by our laboratory. One of two in-silico tools predict a benign effect of the variant on protein function. The variant was absent in 250820 control chromosomes (gnomAD). c.5476C>T has been reported in at least one individual affected with Hereditary Breast Cancer (example: Figlioli_2021). Experimental evidence evaluating an impact on protein function through utilization of a cell-survival assay in a population of edited haploid HAP1 cells as a measure of functional HDR pathway, reported the variant with a functional score supporting loss of function (Findlay_2018).One clinical diagnostic laboratory has submitted clinical-significance assessments for this variant to ClinVar after 2014 and classified the variant as pathogenic. Based on the evidence outlined above, the variant was classified as pathogenic.

Color Diagnostics, LLC DBA Color Health
Classification: Pathogenic for Hereditary cancer-predisposing syndrome. Last evaluated: 2020-01-15. Review status: criteria provided, single submitter. Criteria: ACMG Guidelines, 2015. Collection method: clinical testing. Allele origin: germline.
Comment: This variant changes 1 nucleotide in exon 23 of the BRCA1 gene, creating a premature translation stop signal. This variant is expected to result in an absent or non-functional protein product. This variant has not been identified in the general population by the Genome Aggregation Database (gnomAD). Loss of BRCA1 function is a known mechanism of disease. Based on the available evidence, this variant is classified as Pathogenic.

Brotman Baty Institute, University of Washington
No classification provided (evidence only). Condition: Breast-ovarian cancer, familial 1. Review status: no classification provided. Collection method: in vitro. Allele origin: not applicable. Functional consequence: functionally_abnormal. Not counted in ClinVar's aggregate classification.
ClinVar note: "not provided" was previously submitted as the classification for the variant. However, the classification appeared to be based only on an observation of functional data so it was converted to no classification on 2025-07-30.

Literature cited by the submitters: PubMed 30209399 (cited by Women's Health and Genetics/Laboratory Corporation of America, LabCorp); PubMed 33573335 (cited by Women's Health and Genetics/Laboratory Corporation of America, LabCorp).